The following is an entry in ClinVar:

NM_006493.4(CLN5):c.422T>C (p.Leu141Pro)

Gene: CLN5 (CLN5 lysosomal BMP synthase; plus strand). Cytogenetic location: 13q22.3.
Variant type: single nucleotide variant.
Coding change: c.422T>C on transcript NM_006493.4 (MANE Select); coding-DNA position 422, T replaced by C.
Protein change: p.Leu141Pro; replaces leucine 141 with proline.
Molecular consequence: missense variant.
Genome position (GRCh38, 1-based): chr13:76,995,984, T>C. VCF-style: chr13-76995984-T-C. GRCh37 (hg19) VCF-style: chr13-77570119-T-C.
Other names: c.422T>C, p.Leu141Pro (NM_001366624.2); short protein forms L141P, L190P.
Identifiers: ClinVar variation 2001674 (VCV002001674.1), dbSNP rs754786567, ClinGen allele CA388308973.

ClinVar aggregate classification (germline): Uncertain significance (1 of 4 stars; one submission).

Conditions:
Neuronal ceroid lipofuscinosis. Also called: Neuronal Ceroid Lipofuscinoses. Identifiers: Orphanet 216, Orphanet 79263, MedGen C0027877, MONDO:0016295. Disease mechanism: loss of function.

gnomAD v4.1: 1 of 1,614,220 alleles (0.000062%); highest among the groups gnomAD compares: Non-Finnish European, 0.000085%; no homozygotes.

Submission:

Labcorp Genetics (formerly Invitae), Labcorp
Classification: Uncertain significance for Neuronal ceroid lipofuscinosis. Last evaluated: 2022-06-01. Review status: criteria provided, single submitter. Criteria: Invitae Variant Classification Sherloc (09022015). Collection method: clinical testing. Allele origin: germline.
Comment: This sequence change replaces leucine, which is neutral and non-polar, with proline, which is neutral and non-polar, at codon 190 of the CLN5 protein (p.Leu190Pro). This variant is not present in population databases (gnomAD no frequency). This variant has not been reported in the literature in individuals affected with CLN5-related conditions. Algorithms developed to predict the effect of missense changes on protein structure and function (SIFT, PolyPhen-2, Align-GVGD) all suggest that this variant is likely to be disruptive. In summary, the available evidence is currently insufficient to determine the role of this variant in disease. Therefore, it has been classified as a Variant of Uncertain Significance.